The following is an entry in ClinVar:

ClinVar aggregate classification (germline): Uncertain significance (1 of 4 stars; one submission).

Submission:

Labcorp Genetics (formerly Invitae), Labcorp
Classification: Uncertain significance. Last evaluated: 2025-01-08. Review status: criteria provided, single submitter. Criteria: Invitae Variant Classification Sherloc (09022015). Collection method: clinical testing. Allele origin: germline.
Comment: This sequence change replaces tryptophan, which is neutral and slightly polar, with arginine, which is basic and polar, at codon 186 of the ALPL protein (p.Trp186Arg). This variant is not present in population databases (gnomAD no frequency). This variant has not been reported in the literature in individuals affected with ALPL-related conditions. Invitae Evidence Modeling of protein sequence and biophysical properties (such as structural, functional, and spatial information, amino acid conservation, physicochemical variation, residue mobility, and thermodynamic stability) indicates that this missense variant is expected to disrupt ALPL protein function with a positive predictive value of 95%. In summary, the available evidence is currently insufficient to determine the role of this variant in disease. Therefore, it has been classified as a Variant of Uncertain Significance.

NM_000478.6(ALPL):c.556T>C (p.Trp186Arg)

Gene: ALPL (alkaline phosphatase, biomineralization associated; plus strand). Cytogenetic location: 1p36.12.
Variant type: single nucleotide variant.
Coding change: c.556T>C on transcript NM_000478.6 (MANE Select); coding-DNA position 556, T replaced by C.
Protein change: p.Trp186Arg; replaces tryptophan 186 with arginine.
Molecular consequence: missense variant.
Genome position (GRCh38, 1-based): chr1:21,564,124, T>C. VCF-style: chr1-21564124-T-C. GRCh37 (hg19) VCF-style: chr1-21890617-T-C.
Other names: c.391T>C, p.Trp131Arg (NM_001127501.4); c.325T>C, p.Trp109Arg (NM_001177520.3); c.556T>C, p.Trp186Arg (NM_001369803.2, NM_001369804.2, NM_001369805.2); short protein forms W109R, W131R, W186R.
Identifiers: ClinVar variation 3614619 (VCV003614619.2).